The following is an entry in ClinVar:

NM_016120.4(RLIM):c.1273G>A (p.Asp425Asn)

Gene: RLIM (ring finger protein, LIM domain interacting; minus strand). Cytogenetic location: Xq13.2.
Variant type: single nucleotide variant.
Coding change: c.1273G>A on transcript NM_016120.4 (MANE Select); coding-DNA position 1273, G replaced by A.
Protein change: p.Asp425Asn; replaces aspartic acid 425 with asparagine.
Molecular consequence: missense variant.
Genome position (GRCh38, 1-based): chrX:74,592,042, C>T on the plus strand (G>A on the coding strand, the complement: RLIM is on the minus strand). VCF-style: chrX-74592042-C-T. GRCh37 (hg19) VCF-style: chrX-73811877-C-T.
Other names: c.1273G>A, p.Asp425Asn (NM_183353.3); short protein forms D425N.
Identifiers: ClinVar variation 2760181 (VCV002760181.3), dbSNP rs1227213890, ClinGen allele CA413660517.

ClinVar aggregate classification (germline): Uncertain significance (1 of 4 stars; one submission).

Allele frequency attached by ClinVar (database versions not stated): gnomAD exomes below 0.00001; TOPMed below 0.00001; gnomAD 0.00001.
gnomAD v4.1: 6 of 1,209,059 alleles (0.0005%); highest among the groups gnomAD compares: Non-Finnish European, 0.00034%; no homozygotes.

Submission:

Labcorp Genetics (formerly Invitae), Labcorp
Classification: Uncertain significance. Last evaluated: 2023-09-11. Review status: criteria provided, single submitter. Criteria: Invitae Variant Classification Sherloc (09022015). Collection method: clinical testing. Allele origin: germline.
Comment: This sequence change replaces aspartic acid, which is acidic and polar, with asparagine, which is neutral and polar, at codon 425 of the RLIM protein (p.Asp425Asn). This variant is present in population databases (no rsID available, gnomAD 0.01%). This variant has not been reported in the literature in individuals affected with RLIM-related conditions. Advanced modeling of protein sequence and biophysical properties (such as structural, functional, and spatial information, amino acid conservation, physicochemical variation, residue mobility, and thermodynamic stability) performed at Invitae indicates that this missense variant is not expected to disrupt RLIM protein function. In summary, the available evidence is currently insufficient to determine the role of this variant in disease. Therefore, it has been classified as a Variant of Uncertain Significance.